The following is an entry in ClinVar:

NM_025114.4(CEP290):c.3497T>G (p.Val1166Gly)

Gene: CEP290 (centrosomal protein 290; minus strand). Cytogenetic location: 12q21.32.
Variant type: single nucleotide variant.
Coding change: c.3497T>G on transcript NM_025114.4 (MANE Select); coding-DNA position 3497, T replaced by G.
Protein change: p.Val1166Gly; replaces valine 1166 with glycine.
Molecular consequence: missense variant.
Genome position (GRCh38, 1-based): chr12:88,090,804, A>C on the plus strand (T>G on the coding strand, the complement: CEP290 is on the minus strand). VCF-style: chr12-88090804-A-C. GRCh37 (hg19) VCF-style: chr12-88484581-A-C.
Other names: short protein forms V1166G.
Identifiers: ClinVar variation 2145467 (VCV002145467.5), dbSNP rs2500163184, ClinGen allele CA386002122.

ClinVar aggregate classification (germline): Uncertain significance. Review status: criteria provided, multiple submitters, no conflicts (2 of 4 stars). 2 submissions from 2 submitters: Uncertain significance (2). Last evaluated 2024-01-22.

Conditions:
Meckel-Gruber syndrome. Also called: GRUBER SYNDROME; DYSENCEPHALIA SPLANCHNOCYSTICA; Dysencephalia splachnocystica. Identifiers: Orphanet 564, MedGen C0265215, MONDO:0018921.
Nephronophthisis. Also called: Juvenile Nephronophthisis. Identifiers: Orphanet 655, MedGen C0687120, MONDO:0019005, HP:0000090.
Joubert syndrome. Also called: JOUBERT-BOLTSHAUSER SYNDROME; Familial aplasia of the vermis. Identifiers: Orphanet 475, MedGen C5979921, MONDO:0018772.

Submissions (2):

Labcorp Genetics (formerly Invitae), Labcorp
Classification: Uncertain significance for Joubert syndrome; Meckel-Gruber syndrome; Nephronophthisis. Last evaluated: 2024-01-22. Review status: criteria provided, single submitter. Criteria: Invitae Variant Classification Sherloc (09022015). Collection method: clinical testing. Allele origin: germline.
Comment: This sequence change replaces valine, which is neutral and non-polar, with glycine, which is neutral and non-polar, at codon 1166 of the CEP290 protein (p.Val1166Gly). This variant is not present in population databases (gnomAD no frequency). This variant has not been reported in the literature in individuals affected with CEP290-related conditions. ClinVar contains an entry for this variant (Variation ID: 2145467). Advanced modeling of protein sequence and biophysical properties (such as structural, functional, and spatial information, amino acid conservation, physicochemical variation, residue mobility, and thermodynamic stability) performed at Invitae indicates that this missense variant is expected to disrupt CEP290 protein function with a positive predictive value of 80%. In summary, the available evidence is currently insufficient to determine the role of this variant in disease. Therefore, it has been classified as a Variant of Uncertain Significance.

Blueprint Genetics
Classification: Uncertain significance. Last evaluated: 2022-03-05. Review status: criteria provided, single submitter. Criteria: ACMG Guidelines, 2015. Collection method: clinical testing. Allele origin: germline.